The following is an entry in ClinVar:

NM_031475.3(ESPN):c.*6G>A

Gene: ESPN (espin; plus strand). Cytogenetic location: 1p36.31.
Variant type: single nucleotide variant.
Coding change: c.*6G>A on transcript NM_031475.3 (MANE Select); 6 bases downstream of the stop codon, G replaced by A.
Molecular consequence: 3 prime UTR variant.
Genome position (GRCh38, 1-based): chr1:6,460,152, G>A. VCF-style: chr1-6460152-G-A. GRCh37 (hg19) VCF-style: chr1-6520212-G-A.
Other names: c.*6G>A (NM_001367473.1, NM_001367474.1).
Identifiers: ClinVar variation 227355 (VCV000227355.7), dbSNP rs200806495, ClinGen allele CA560566.

ClinVar aggregate classification (germline): Benign/Likely benign. Review status: criteria provided, multiple submitters, no conflicts (2 of 4 stars). 3 submissions from 3 submitters: Benign (1); Likely benign (2). Last evaluated 2024-07-10.

Allele frequency attached by ClinVar (database versions not stated): gnomAD 0.00014 and 0.00019; TOPMed 0.00024; ExAC 0.00033; 1000 Genomes Project 30x 0.00109; 1000 Genomes Project 0.00120.
gnomAD v4.1: 178 of 1,609,744 alleles (0.011%); highest among the groups gnomAD compares: East Asian, 0.38%; no homozygotes.

Submissions (3):

Blueprint Genetics
Classification: Likely benign. Last evaluated: 2024-07-10. Review status: criteria provided, single submitter. Criteria: ACMG Guidelines, 2015. Collection method: clinical testing. Allele origin: germline.

GeneDx
Classification: Benign. Last evaluated: 2021-09-23. Review status: criteria provided, single submitter. Criteria: GeneDx Variant Classification Process June 2021. Collection method: clinical testing. Allele origin: germline. Affected: yes.

Laboratory for Molecular Medicine, Mass General Brigham Personalized Medicine
Classification: Likely benign. Last evaluated: 2015-05-27. Review status: criteria provided, single submitter. Criteria: LMM Criteria. Collection method: clinical testing. Allele origin: germline. Observed: 2 variant alleles.
Comment: c.*6G>A in ESPN: This variant is not expected to have clinical significance it h as been identified in 0.46% (39/8510) of East Asian chromosomes by the Exome Agg regation Consortium (ExAC; dbSNP rs200806495).